The following is an entry in ClinVar:

ClinVar aggregate classification (germline): Uncertain significance (1 of 4 stars; one submission).

gnomAD v4.1: 6 of 1,612,954 alleles (0.00037%); highest among the groups gnomAD compares: South Asian, 0.0022%; no homozygotes.

Submission:

Labcorp Genetics (formerly Invitae), Labcorp
Classification: Uncertain significance. Last evaluated: 2025-01-15. Review status: criteria provided, single submitter. Criteria: Invitae Variant Classification Sherloc (09022015). Collection method: clinical testing. Allele origin: germline.
Comment: This sequence change affects codon 631 of the ENPP1 mRNA. It is a 'silent' change, meaning that it does not change the encoded amino acid sequence of the ENPP1 protein. This variant also falls at the last nucleotide of exon 18, which is part of the consensus splice site for this exon. This variant is present in population databases (rs763463732, gnomAD 0.006%). This variant has not been reported in the literature in individuals affected with ENPP1-related conditions. Variants that disrupt the consensus splice site are a relatively common cause of aberrant splicing (PMID: 17576681, 9536098). Algorithms developed to predict the effect of sequence changes on RNA splicing suggest that this variant is not likely to affect RNA splicing. In summary, the available evidence is currently insufficient to determine the role of this variant in disease. Therefore, it has been classified as a Variant of Uncertain Significance.

Literature cited by the submitters: PubMed 17576681; PubMed 9536098.

NM_006208.3(ENPP1):c.1893G>A (p.Ser631=)

Gene: ENPP1 (ectonucleotide pyrophosphatase/phosphodiesterase 1; plus strand). Cytogenetic location: 6q23.2.
Variant type: single nucleotide variant.
Coding change: c.1893G>A on transcript NM_006208.3 (MANE Select); coding-DNA position 1893, G replaced by A.
Protein change: p.Ser631=; no amino-acid change (serine 631 retained).
Molecular consequence: synonymous variant.
Genome position (GRCh38, 1-based): chr6:131,877,161, G>A. VCF-style: chr6-131877161-G-A. GRCh37 (hg19) VCF-style: chr6-132198301-G-A.
Identifiers: ClinVar variation 3675639 (VCV003675639.2).
Genomic context (GRCh38, chr6:131,877,161, plus strand): 5'-GGTACAGTGCCCCTTCACAAGAAACCCCAGAGATAACCTTGGCTGCTCATGTAACCCTTC[G>A]GTAAGTATCGTCAAGAAGTTTGGTCCAGTATGTATGGTTTGATAGCACCCTCTGCATAGC-3'
Protein context (NP_006199.2, residues 621-641): RDNLGCSCNP[Ser631=]ILPIEDFQTQ